The following is an entry in ClinVar:

NM_001122769.3(LCA5):c.1345C>T (p.Gln449Ter)

Gene: LCA5 (lebercilin LCA5; minus strand). Cytogenetic location: 6q14.1.
Variant type: single nucleotide variant.
Coding change: c.1345C>T on transcript NM_001122769.3 (MANE Select); coding-DNA position 1345, C replaced by T.
Protein change: p.Gln449Ter; replaces glutamine 449 with a stop codon.
Molecular consequence: nonsense.
Genome position (GRCh38, 1-based): chr6:79,487,753, G>A on the plus strand (C>T on the coding strand, the complement: LCA5 is on the minus strand). VCF-style: chr6-79487753-G-A. GRCh37 (hg19) VCF-style: chr6-80197470-G-A.
Other names: c.1345C>T, p.Gln449Ter (NM_181714.4); short protein forms Q449*.
Identifiers: ClinVar variation 4816984 (VCV004816984.1).

ClinVar aggregate classification (germline): Likely pathogenic (1 of 4 stars; one submission).

Conditions:
Leber congenital amaurosis 5 (LCA5). Also called: Amaurosis congenita of Leber, type 5. Identifiers: Orphanet 65, MedGen C1858301, MONDO:0011473, OMIM 604537.

Submission:

Natera, Inc.
Classification: Likely pathogenic for Leber congenital amaurosis type 5. Last evaluated: 2025-09-16. Review status: criteria provided, single submitter. Criteria: Natera Variant Classification Schema (03/2026). Collection method: clinical testing. Allele origin: germline.
Comment: The c.1345C>T variant in LCA5 is a nonsense variant predicted to introduce a stop codon at amino acid 449. This variant is expected to result in nonsense mediated decay, truncation, or a dysfunctional protein product. This variant is rare in the general population with a frequency below the threshold expected for the associated phenotype(s). Given the available evidence, this variant is classified as Likely Pathogenic.